The following is an entry in ClinVar:

NM_024824.5(ZC3H14):c.1232C>T (p.Pro411Leu)

Gene: ZC3H14 (zinc finger CCCH-type containing 14; plus strand). Cytogenetic location: 14q31.3.
Variant type: single nucleotide variant.
Coding change: c.1232C>T on transcript NM_024824.5 (MANE Select); coding-DNA position 1232, C replaced by T.
Protein change: p.Pro411Leu; replaces proline 411 with leucine.
Molecular consequence: missense variant. On other transcripts: non-coding transcript variant (1), intron variant (2).
Genome position (GRCh38, 1-based): chr14:88,578,093, C>T. VCF-style: chr14-88578093-C-T. GRCh37 (hg19) VCF-style: chr14-89044437-C-T.
Other names: c.1232C>T, p.Pro411Leu (NM_001160103.2, NM_001160104.2, NM_001326295.2 and 7 more transcripts); c.1130C>T, p.Pro377Leu (NM_001326297.2, NM_001326301.2, NM_001326303.2 and 3 more transcripts); c.767C>T, p.Pro256Leu (NM_001326300.2, NM_001326302.2, NM_001326304.2 and 5 more transcripts); c.1123+2153C>T (NM_001326313.2, NM_001326306.2); short protein forms P377L, P411L, P256L.
Identifiers: ClinVar variation 1030880 (VCV001030880.1), dbSNP rs201527519, ClinGen allele CA390567078.

ClinVar aggregate classification (germline): Uncertain significance (1 of 4 stars; one submission).

Conditions:
Intellectual developmental disorder, autosomal recessive 56. Also called: Intellectual disability, autosomal recessive 56. Identifiers: MedGen C4310703, MONDO:0014930, OMIM 617125.

gnomAD v4.1: 43 of 1,613,664 alleles (0.0027%); highest among the groups gnomAD compares: Non-Finnish European, 0.0036%; no homozygotes.

Submission:

Baylor Genetics
Classification: Uncertain significance for Intellectual developmental disorder, autosomal recessive 56. Last evaluated: 2019-03-02. Review status: criteria provided, single submitter. Criteria: ACMG Guidelines, 2015. Collection method: clinical testing. Allele origin: paternal. Affected: yes.
Comment: This variant was determined to be of uncertain significance according to ACMG Guidelines, 2015 [PMID:25741868].